The following is an entry in ClinVar:

NM_001083961.2(WDR62):c.2740_2743del

Gene: WDR62 (WD repeat domain 62; plus strand). Cytogenetic location: 19q13.12.
Variant type: Deletion.
Coding change: c.2740_2743del on transcript NM_001083961.2 (MANE Select); coding-DNA positions 2740 to 2743, 4 bases deleted (TCAG; older notation c.2740_2743delTCAG).
Molecular consequence: splice acceptor variant.
Genome position (GRCh38, 1-based): chr19:36,100,748-36,100,751, TCAG deleted; deleting any 4 consecutive bases within chr19:36,100,746-36,100,751 gives the same sequence; the c. name uses the placement nearest the transcript's 3' end. VCF-style (leftmost placement, unchanged base first): chr19-36100745-TAGTC-T. GRCh37 (hg19) VCF-style: chr19-36591647-TAGTC-T.
Identifiers: ClinVar variation 4846962 (VCV004846962.1).
Genomic context (GRCh38, chr19:36,100,745, plus strand): 5'-TGGCGCACTGTTGGTGGCCCCAGCCATGCCTGCCTCAGAATGGCTGTGCTGTCTTCCCCA[TAGTC>T]AGAGAGTCCCCAGGAAGCTGGCCGCGGGCACCCCTCCTTCCTGCCCCAGCAGAAGGAATC-3'

ClinVar aggregate classification (germline): Likely pathogenic (1 of 4 stars; one submission).

Conditions:
Microcephaly 2, primary, autosomal recessive, with or without cortical malformations. Also called: MICROCEPHALY 2, PRIMARY, AUTOSOMAL RECESSIVE, WITH CORTICAL MALFORMATIONS; WDR62 Primary Microcephaly. Identifiers: Orphanet 2512, MedGen C1858535, MONDO:0011435, OMIM 604317.

Submission:

Laboratorio de Genetica e Diagnostico Molecular, Hospital Israelita Albert Einstein
Classification: Likely pathogenic for Microcephaly 2, primary, autosomal recessive, with or without cortical malformations. Last evaluated: 2025-09-30. Review status: criteria provided, single submitter. Criteria: ACMG Guidelines, 2015. Collection method: clinical testing. Allele origin: germline. Affected: yes.
Comment: ACMG classification criteria: PVS1 very strong, PM2 supporting